The following is an entry in ClinVar:

ClinVar aggregate classification (germline): Conflicting classifications of pathogenicity. Review status: criteria provided, conflicting classifications (1 of 4 stars). 3 submissions from 3 submitters: Uncertain significance (2); Likely benign (1). Last evaluated 2025-07-14.

Conditions:
Baller-Gerold syndrome (BGS). Also called: CRANIOSYNOSTOSIS WITH RADIAL DEFECTS. Identifiers: Orphanet 1225, MedGen C0265308, MONDO:0009039, OMIM 218600.
Rapadilino syndrome. Identifiers: Orphanet 3021, MedGen C1849453, MONDO:0009955, OMIM 266280.
Rothmund-Thomson syndrome type 2 (RTS2). Identifiers: Orphanet 221016, MedGen C5203410, MONDO:0016369, OMIM 268400.

Allele frequency attached by ClinVar (database versions not stated): gnomAD 0.00001.

Submissions (3):

Labcorp Genetics (formerly Invitae), Labcorp
Classification: Uncertain significance for Baller-Gerold syndrome. Last evaluated: 2025-07-14. Review status: criteria provided, single submitter. Criteria: Invitae Variant Classification Sherloc (09022015). Collection method: clinical testing. Allele origin: germline.
Comment: This variant, c.2554_2565dup, results in the insertion of 4 amino acid(s) of the RECQL4 protein (p.Ala852_Cys855dup), but otherwise preserves the integrity of the reading frame. This variant is not present in population databases (gnomAD no frequency). This variant has not been reported in the literature in individuals affected with RECQL4-related conditions. ClinVar contains an entry for this variant (Variation ID: 1009497). Experimental studies and prediction algorithms are not available or were not evaluated, and the functional significance of this variant is currently unknown. In summary, the available evidence is currently insufficient to determine the role of this variant in disease. Therefore, it has been classified as a Variant of Uncertain Significance.

3billion
Classification: Likely benign for Rothmund-Thomson syndrome type 2; Baller-Gerold syndrome; Rapadilino syndrome. Last evaluated: 2024-09-20. Review status: criteria provided, single submitter. Criteria: ACMG Guidelines, 2015. Collection method: clinical testing. Allele origin: germline. Affected: no.
Comment: The homozygous variant was found in patients diagnosed with another variant in a different gene, with no symptoms related to the gene containing the homozygous variant.

Revvity Omics, Revvity
Classification: Uncertain significance. Last evaluated: 2024-02-05. Review status: criteria provided, single submitter. Criteria: ACMG Guidelines, 2015. Collection method: clinical testing. Allele origin: germline.

NM_004260.4(RECQL4):c.2554_2565dup (p.Ala852_Cys855dup)

Gene: RECQL4 (RecQ like helicase 4; minus strand). Cytogenetic location: 8q24.3.
Variant type: Duplication.
Coding change: c.2554_2565dup on transcript NM_004260.4 (MANE Select); coding-DNA positions 2554 to 2565, 12 bases duplicated (GCCTGCACCTGC).
Protein change: p.Ala852_Cys855dup.
Molecular consequence: inframe insertion.
Genome position (GRCh38, 1-based): chr8:144,513,037-144,513,048, GCAGGTGCAGGC duplicated on the plus strand (GCCTGCACCTGC on the coding strand, the reverse complement: RECQL4 is on the minus strand). VCF-style (leftmost placement, unchanged base first): chr8-144513036-T-TGCAGGTGCAGGC. GRCh37 (hg19) VCF-style: chr8-145738419-T-TGCAGGTGCAGGC.
Other names: c.2554_2565dup (NM_004260.3).
Identifiers: ClinVar variation 1009497 (VCV001009497.6), dbSNP rs1363648649, ClinGen allele CA848893974.